The following is an entry in ClinVar:

NM_002880.4(RAF1):c.78C>G (p.Ser26Arg)

Gene: RAF1 (Raf-1 proto-oncogene, serine/threonine kinase; minus strand). Cytogenetic location: 3p25.2.
Variant type: single nucleotide variant.
Coding change: c.78C>G on transcript NM_002880.4 (MANE Select); coding-DNA position 78, C replaced by G.
Protein change: p.Ser26Arg; replaces serine 26 with arginine.
Molecular consequence: missense variant. On other transcripts: 5 prime UTR variant (4), non-coding transcript variant (3).
Genome position (GRCh38, 1-based): chr3:12,618,644, G>C on the plus strand (C>G on the coding strand, the complement: RAF1 is on the minus strand). VCF-style: chr3-12618644-G-C. GRCh37 (hg19) VCF-style: chr3-12660143-G-C.
Other names: c.78C>G, p.Ser26Arg (NM_001354689.3, NM_001354690.3, NM_001354693.3); c.-53C>G (NM_001354691.3, NM_001354692.3, NM_001354694.3 and 1 more transcripts); short protein forms S26R.
Identifiers: ClinVar variation 279879 (VCV000279879.2), dbSNP rs886041229, ClinGen allele CA10602878.

ClinVar aggregate classification (germline): Uncertain significance (1 of 4 stars; one submission).

Submission:

GeneDx
Classification: Uncertain significance. Last evaluated: 2017-06-06. Review status: criteria provided, single submitter. Criteria: GeneDx Variant Classification (06012015). Collection method: clinical testing. Allele origin: germline. Affected: yes.
Comment: The S26R variant of uncertain significance has not been published as a pathogenic variant, nor has it been reported as a benign variant to our knowledge. The variant was not observed in approximately 6,500 individuals of European and African American ancestry in the NHLBI Exome Sequencing Project, indicating it is not a common benign variant in these populations. S26R is a semi-conservative amino acid substitution, which may impact secondary protein structure as these residues differ in some properties. However, this substitution occurs at a position that is not conserved, and in silico analysis is inconsistent in its predictions as to whether or not the variant is damaging to the protein structure/function. Therefore, based on the currently available information, it is unclear whether this variant is a pathogenic variant or a rare benign variant.